The following is an entry in ClinVar:

NM_012108.4(STAP1):c.853A>G (p.Ser285Gly)

Gene: STAP1 (signal transducing adaptor family member 1; plus strand). Cytogenetic location: 4q13.2.
Variant type: single nucleotide variant.
Coding change: c.853A>G on transcript NM_012108.4 (MANE Select); coding-DNA position 853, A replaced by G.
Protein change: p.Ser285Gly; replaces serine 285 with glycine.
Molecular consequence: missense variant.
Genome position (GRCh38, 1-based): chr4:67,606,322, A>G. VCF-style: chr4-67606322-A-G. GRCh37 (hg19) VCF-style: chr4-68472040-A-G.
Other names: c.853A>G, p.Ser285Gly (NM_001317769.2); short protein forms S285G.
Identifiers: ClinVar variation 4176152 (VCV004176152.1).
Genomic context (GRCh38, chr4:67,606,322, plus strand): 5'-TCGCTAATTAAGTTTTTCTACCCACAATTTCTAGGTCAAGAACCCAGTATGGAAGGGAGA[A>G]GTGAAAAGTTGAAGAAAAATCCACACATTGCATGAAATACAATGTGAAAGCTCCTTTGTA-3'
Protein context (NP_036240.1, residues 275-295): TGQEPSMEGR[Ser285Gly]EKLKKNPHIA

ClinVar aggregate classification (germline): Uncertain significance (1 of 4 stars; one submission).

Submission:

Ambry Genetics
Classification: Uncertain significance. Last evaluated: 2025-08-06. Review status: criteria provided, single submitter. Criteria: Ambry Variant Classification Scheme 2023. Collection method: clinical testing. Allele origin: germline.
Comment: The p.S285G variant (also known as c.853A>G), located in coding exon 9 of the STAP1 gene, results from an A to G substitution at nucleotide position 853. The serine at codon 285 is replaced by glycine, an amino acid with similar properties. This amino acid position is conserved. In addition, this alteration is predicted to be tolerated by in silico analysis. Based on the available evidence, the clinical significance of this variant remains unclear.